The following is an entry in ClinVar:

NM_001040142.2(SCN2A):c.3582G>A (p.Trp1194Ter)

Gene: SCN2A (sodium voltage-gated channel alpha subunit 2; plus strand). Cytogenetic location: 2q24.3.
Variant type: single nucleotide variant.
Coding change: c.3582G>A on transcript NM_001040142.2 (MANE Select); coding-DNA position 3582, G replaced by A.
Protein change: p.Trp1194Ter; replaces tryptophan 1194 with a stop codon.
Molecular consequence: nonsense.
Genome position (GRCh38, 1-based): chr2:165,367,278, G>A. VCF-style: chr2-165367278-G-A. GRCh37 (hg19) VCF-style: chr2-166223788-G-A.
Other names: c.3582G>A, p.Trp1194Ter (NM_001040143.2, NM_001371246.1, NM_001371247.1 and 1 more transcripts); short protein forms W1194*.
Identifiers: ClinVar variation 2942859 (VCV002942859.3), dbSNP rs1553590211, ClinGen allele CA349025966.

ClinVar aggregate classification (germline): Pathogenic (1 of 4 stars; one submission).

Conditions:
Seizures, benign familial infantile, 3 (BFIS3). Also called: CONVULSIONS, BENIGN FAMILIAL INFANTILE, 3; Familial neonatal seizures. Identifiers: Orphanet 140927, Orphanet 306, MedGen C1843140, MONDO:0011904, OMIM 607745.
Developmental and epileptic encephalopathy, 11 (DEE11). Also called: Early infantile epileptic encephalopathy 11. Identifiers: Orphanet 1934, MedGen C3150987, MONDO:0013388, OMIM 613721.

Submission:

Labcorp Genetics (formerly Invitae), Labcorp
Classification: Pathogenic for Seizures, benign familial infantile, 3; Developmental and epileptic encephalopathy, 11. Last evaluated: 2022-12-31. Review status: criteria provided, single submitter. Criteria: Invitae Variant Classification Sherloc (09022015). Collection method: clinical testing. Allele origin: germline.
Comment: For these reasons, this variant has been classified as Pathogenic. This variant has not been reported in the literature in individuals affected with SCN2A-related conditions. This variant is not present in population databases (gnomAD no frequency). This sequence change creates a premature translational stop signal (p.Trp1194*) in the SCN2A gene. It is expected to result in an absent or disrupted protein product. Loss-of-function variants in SCN2A are known to be pathogenic (PMID: 28379373).

Literature cited by the submitters: PubMed 28379373.